The following is an entry in ClinVar:

NM_015295.3(SMCHD1):c.3890A>G (p.His1297Arg)

Gene: SMCHD1 (structural maintenance of chromosomes flexible hinge domain containing 1; plus strand). Cytogenetic location: 18p11.32.
Variant type: single nucleotide variant.
Coding change: c.3890A>G on transcript NM_015295.3 (MANE Select); coding-DNA position 3890, A replaced by G.
Protein change: p.His1297Arg; replaces histidine 1297 with arginine.
Molecular consequence: missense variant.
Genome position (GRCh38, 1-based): chr18:2,747,610, A>G. VCF-style: chr18-2747610-A-G. GRCh37 (hg19) VCF-style: chr18-2747608-A-G.
Other names: short protein forms H1297R.
Identifiers: ClinVar variation 939142 (VCV000939142.12), dbSNP rs932696032, ClinGen allele CA295478824.

ClinVar aggregate classification (germline): Uncertain significance. Review status: criteria provided, multiple submitters, no conflicts (2 of 4 stars). 2 submissions from 2 submitters: Uncertain significance (2). Last evaluated 2024-04-16.

Conditions:
Facioscapulohumeral muscular dystrophy 2 (FSHD2). Also called: MUSCULAR DYSTROPHY, FACIOSCAPULOHUMERAL, TYPE 1B; FACIOSCAPULOHUMERAL MUSCULAR DYSTROPHY 2, DIGENIC; FSHD2, DIGENIC. Identifiers: Orphanet 269, MedGen C1834671, MONDO:0008031, OMIM 158901.

Allele frequency attached by ClinVar (database versions not stated): gnomAD exomes below 0.00001 and 0.00001; gnomAD 0.00002; TOPMed 0.00004.
gnomAD v4.1: 10 of 1,606,230 alleles (0.00062%); highest among the groups gnomAD compares: African/African-American, 0.0013%; no homozygotes.

Submissions (2):

Labcorp Genetics (formerly Invitae), Labcorp
Classification: Uncertain significance for Facioscapulohumeral muscular dystrophy 2. Last evaluated: 2024-04-16. Review status: criteria provided, single submitter. Criteria: Invitae Variant Classification Sherloc (09022015). Collection method: clinical testing. Allele origin: germline.
Comment: This sequence change replaces histidine, which is basic and polar, with arginine, which is basic and polar, at codon 1297 of the SMCHD1 protein (p.His1297Arg). This variant is present in population databases (no rsID available, gnomAD 0.002%). This variant has not been reported in the literature in individuals affected with SMCHD1-related conditions. ClinVar contains an entry for this variant (Variation ID: 939142). Advanced modeling of protein sequence and biophysical properties (such as structural, functional, and spatial information, amino acid conservation, physicochemical variation, residue mobility, and thermodynamic stability) performed at Invitae indicates that this missense variant is not expected to disrupt SMCHD1 protein function with a negative predictive value of 80%. In summary, the available evidence is currently insufficient to determine the role of this variant in disease. Therefore, it has been classified as a Variant of Uncertain Significance.

Revvity Omics, Revvity
Classification: Uncertain significance. Last evaluated: 2019-09-27. Review status: criteria provided, single submitter. Criteria: ACMG Guidelines, 2015. Collection method: clinical testing. Allele origin: germline.